The following is an entry in ClinVar:

ClinVar aggregate classification (germline): Pathogenic (0 of 4 stars; one submission).

Conditions:
Alagille syndrome due to a JAG1 point mutation. Also called: HEPATIC DUCTULAR HYPOPLASIA, SYNDROMATIC; Alagille Syndrome 1; JAG1-Related Alagille Syndrome. Identifiers: Orphanet 261619, Orphanet 52, MedGen C1956125, MONDO:0016862, OMIM 118450.

Submission:

Department Of Genetics, Lifeline Super Speciality Hospital, Adoor.
Classification: Pathogenic for Alagille syndrome due to a JAG1 point mutation. Last evaluated: 2021-08-27. Review status: no assertion criteria provided. Collection method: clinical testing. Allele origin: maternal. Inheritance: Autosomal dominant inheritance. Affected: yes. Observed: 1 heterozygote.

NM_000214.2:c.(755+1_756-1)_(1120+1_1121-1)del

Gene: JAG1 (jagged canonical Notch ligand 1; minus strand).
Variant type: Deletion.
Identifiers: ClinVar variation 1251969 (VCV001251969.4).